The following is an entry in ClinVar:

NM_024675.4(PALB2):c.438_450del (p.Arg146fs)

Gene: PALB2 (partner and localizer of BRCA2; minus strand). Cytogenetic location: 16p12.2.
Variant type: Deletion.
Coding change: c.438_450del on transcript NM_024675.4 (MANE Select); coding-DNA positions 438 to 450, 13 bases deleted (AAGAAAGAAGCAG).
Protein change: p.Arg146fs; shifts the reading frame from arginine 146.
Molecular consequence: frameshift variant.
Genome position (GRCh38, 1-based): chr16:23,636,096-23,636,108, CTGCTTCTTTCTT deleted on the plus strand (AAGAAAGAAGCAG on the coding strand, the reverse complement: PALB2 is on the minus strand); deleting any 13 consecutive bases within chr16:23,636,096-23,636,114 gives the same sequence; the c. name uses the placement nearest the transcript's 3' end. VCF-style (leftmost placement, unchanged base first): chr16-23636095-GCTGCTTCTTTCTT-G. GRCh37 (hg19) VCF-style: chr16-23647416-GCTGCTTCTTTCTT-G.
Other names: short protein forms R146fs.
Identifiers: ClinVar variation 1373935 (VCV001373935.8), dbSNP rs2142443124, ClinGen allele CA2573152214.

ClinVar aggregate classification (germline): Pathogenic. Review status: criteria provided, multiple submitters, no conflicts (2 of 4 stars). 2 submissions from 2 submitters: Pathogenic (2). Last evaluated 2021-09-22.

Conditions:
Familial cancer of breast. Also called: hereditary breast carcinoma; Hereditary breast cancer; BREAST CANCER, FAMILIAL. Identifiers: Orphanet 227535, MedGen C0346153, MONDO:0016419, OMIM 114480. Disease mechanism: loss of function.

Submissions (2):

Baylor Genetics
Classification: Pathogenic for Familial cancer of breast. Last evaluated: 2021-09-22. Review status: criteria provided, single submitter. Criteria: ACMG Guidelines, 2015. Collection method: clinical testing. Allele origin: unknown.

Labcorp Genetics (formerly Invitae), Labcorp
Classification: Pathogenic for Familial cancer of breast. Last evaluated: 2021-05-18. Review status: criteria provided, single submitter. Criteria: Invitae Variant Classification Sherloc (09022015). Collection method: clinical testing. Allele origin: germline.
Comment: For these reasons, this variant has been classified as Pathogenic. This variant has not been reported in the literature in individuals with PALB2-related conditions. This variant is not present in population databases (ExAC no frequency). This sequence change creates a premature translational stop signal (p.Arg146Serfs*27) in the PALB2 gene. It is expected to result in an absent or disrupted protein product. Loss-of-function variants in PALB2 are known to be pathogenic (PMID: 17200668, 24136930, 25099575).

Literature cited by the submitters: PubMed 17200668 (cited by Labcorp Genetics (formerly Invitae), Labcorp); PubMed 24136930 (cited by Labcorp Genetics (formerly Invitae), Labcorp); PubMed 25099575 (cited by Labcorp Genetics (formerly Invitae), Labcorp).